The following is an entry in ClinVar:

ClinVar aggregate classification (germline): Uncertain significance (1 of 4 stars; one submission).

Submission:

Labcorp Genetics (formerly Invitae), Labcorp
Classification: Uncertain significance. Last evaluated: 2022-05-05. Review status: criteria provided, single submitter. Criteria: Invitae Variant Classification Sherloc (09022015). Collection method: clinical testing. Allele origin: germline.
Comment: In summary, the available evidence is currently insufficient to determine the role of this variant in disease. Therefore, it has been classified as a Variant of Uncertain Significance. Advanced modeling of protein sequence and biophysical properties (such as structural, functional, and spatial information, amino acid conservation, physicochemical variation, residue mobility, and thermodynamic stability) performed at Invitae indicates that this missense variant is not expected to disrupt COL2A1 protein function. This variant has not been reported in the literature in individuals affected with COL2A1-related conditions. This variant is not present in population databases (gnomAD no frequency). This sequence change replaces arginine, which is basic and polar, with leucine, which is neutral and non-polar, at codon 1036 of the COL2A1 protein (p.Arg1036Leu).

NM_001844.5(COL2A1):c.3107G>T (p.Arg1036Leu)

Gene: COL2A1 (collagen type II alpha 1 chain; minus strand). Cytogenetic location: 12q13.11.
Variant type: single nucleotide variant.
Coding change: c.3107G>T on transcript NM_001844.5 (MANE Select); coding-DNA position 3107, G replaced by T.
Protein change: p.Arg1036Leu; replaces arginine 1036 with leucine.
Molecular consequence: missense variant.
Genome position (GRCh38, 1-based): chr12:47,978,014, C>A on the plus strand (G>T on the coding strand, the complement: COL2A1 is on the minus strand). VCF-style: chr12-47978014-C-A. GRCh37 (hg19) VCF-style: chr12-48371797-C-A.
Other names: c.2900G>T, p.Arg967Leu (NM_033150.3); short protein forms R1036L, R967L.
Identifiers: ClinVar variation 2134088 (VCV002134088.4), dbSNP rs201956851, ClinGen allele CA384540618.